The following is an entry in ClinVar:

ClinVar aggregate classification (germline): Uncertain significance (1 of 4 stars; one submission).

Allele frequency attached by ClinVar (database versions not stated): gnomAD exomes 0.00001 and 0.00002; ExAC 0.00002; gnomAD 0.00002; TOPMed 0.00002.
gnomAD v4.1: 21 of 1,614,068 alleles (0.0013%); highest among the groups gnomAD compares: South Asian, 0.0044%; no homozygotes.

Submission:

Labcorp Genetics (formerly Invitae), Labcorp
Classification: Uncertain significance. Last evaluated: 2021-09-20. Review status: criteria provided, single submitter. Criteria: Invitae Variant Classification Sherloc (09022015). Collection method: clinical testing. Allele origin: germline.
Comment: This sequence change replaces arginine with cysteine at codon 221 of the ALAD protein (p.Arg221Cys). The arginine residue is highly conserved and there is a large physicochemical difference between arginine and cysteine. This variant is present in population databases (rs777855664, ExAC 0.009%). This variant has not been reported in the literature in individuals affected with ALAD-related conditions. Algorithms developed to predict the effect of missense changes on protein structure and function are either unavailable or do not agree on the potential impact of this missense change (SIFT: "Deleterious"; PolyPhen-2: "Probably Damaging"; Align-GVGD: "Class C0"). In summary, the available evidence is currently insufficient to determine the role of this variant in disease. Therefore, it has been classified as a Variant of Uncertain Significance.

NM_000031.6(ALAD):c.661C>T (p.Arg221Cys)

Gene: ALAD (aminolevulinate dehydratase; minus strand). Cytogenetic location: 9q32.
Variant type: single nucleotide variant.
Coding change: c.661C>T on transcript NM_000031.6 (MANE Select); coding-DNA position 661, C replaced by T.
Protein change: p.Arg221Cys; replaces arginine 221 with cysteine.
Molecular consequence: missense variant.
Genome position (GRCh38, 1-based): chr9:113,389,652, G>A on the plus strand (C>T on the coding strand, the complement: ALAD is on the minus strand). VCF-style: chr9-113389652-G-A. GRCh37 (hg19) VCF-style: chr9-116151932-G-A.
Other names: c.748C>T, p.Arg250Cys (NM_001003945.3); c.637C>T, p.Arg213Cys (NM_001317745.2); short protein forms R213C, R250C, R221C.
Identifiers: ClinVar variation 1515587 (VCV001515587.6), dbSNP rs777855664, ClinGen allele CA5196407.